The following is an entry in ClinVar:

ClinVar aggregate classification (germline): Pathogenic (1 of 4 stars; one submission).

Conditions:
Hereditary hemorrhagic telangiectasia (HHT). Also called: ORW DISEASE; Osler Weber Rendu syndrome; OSLER-RENDU-WEBER DISEASE; Osler hemorrhagic telangiectasia syndrome. Identifiers: Orphanet 774, MedGen C0039445, MONDO:0019180. Disease mechanism: loss of function.

Submission:

Labcorp Genetics (formerly Invitae), Labcorp
Classification: Pathogenic for Hereditary hemorrhagic telangiectasia. Last evaluated: 2023-12-14. Review status: criteria provided, single submitter. Criteria: Invitae Variant Classification Sherloc (09022015). Collection method: clinical testing. Allele origin: germline.
Comment: This sequence change creates a premature translational stop signal (p.Ala160Glyfs*2) in the ENG gene. It is expected to result in an absent or disrupted protein product. Loss-of-function variants in ENG are known to be pathogenic (PMID: 15879500). This variant is not present in population databases (gnomAD no frequency). This variant has not been reported in the literature in individuals affected with ENG-related conditions. For these reasons, this variant has been classified as Pathogenic.

Literature cited by the submitters: PubMed 15879500.

NM_001114753.3(ENG):c.478dup (p.Ala160fs)

Gene: ENG (endoglin; minus strand). Cytogenetic location: 9q34.11.
Variant type: Duplication.
Coding change: c.478dup on transcript NM_001114753.3 (MANE Select); coding-DNA position 478, one base duplicated (G; older notation c.478dupG).
Protein change: p.Ala160fs; shifts the reading frame from alanine 160.
Molecular consequence: frameshift variant. On other transcripts: 5 prime UTR variant (1).
Genome position (GRCh38, 1-based): chr9:127,826,555, C duplicated on the plus strand (G on the coding strand, the reverse complement: ENG is on the minus strand). VCF-style (leftmost placement, unchanged base first): chr9-127826554-G-GC. GRCh37 (hg19) VCF-style: chr9-130588833-G-GC.
Other names: c.478dup, p.Ala160fs (NM_000118.4, NM_001406715.1); c.-69dup (NM_001278138.2); short protein forms A160fs.
Identifiers: ClinVar variation 2703153 (VCV002703153.3), dbSNP rs2539077738, ClinGen allele CA2697558071.